The following is an entry in ClinVar:

ClinVar aggregate classification (germline): Uncertain significance (1 of 4 stars; one submission).

Conditions:
Retinoblastoma (RB1). Also called: RETINOBLASTOMA, SOMATIC. Identifiers: Orphanet 790, MedGen C0035335, MeSH D012175, MONDO:0008380, OMIM 180200, HP:0009919. Disease mechanism: loss of function. Inheritance: Both sporadic and heritable forms are tested..

gnomAD v4.1: 2 of 1,513,454 alleles (0.00013%); highest among the groups gnomAD compares: Non-Finnish European, 0.00018%; no homozygotes.

Submission:

Labcorp Genetics (formerly Invitae), Labcorp
Classification: Uncertain significance for Retinoblastoma. Last evaluated: 2022-04-22. Review status: criteria provided, single submitter. Criteria: Invitae Variant Classification Sherloc (09022015). Collection method: clinical testing. Allele origin: germline.
Comment: This variant is not present in population databases (gnomAD no frequency). This sequence change replaces proline, which is neutral and non-polar, with threonine, which is neutral and polar, at codon 2 of the RB1 protein (p.Pro2Thr). This variant has not been reported in the literature in individuals affected with RB1-related conditions. In summary, the available evidence is currently insufficient to determine the role of this variant in disease. Therefore, it has been classified as a Variant of Uncertain Significance. Algorithms developed to predict the effect of missense changes on protein structure and function are either unavailable or do not agree on the potential impact of this missense change (SIFT: "Deleterious"; PolyPhen-2: "Benign"; Align-GVGD: "Class C0"). ClinVar contains an entry for this variant (Variation ID: 956496).

NM_000321.3(RB1):c.4C>A (p.Pro2Thr)

Gene: RB1 (RB transcriptional corepressor 1; plus strand). Cytogenetic location: 13q14.2.
Variant type: single nucleotide variant.
Coding change: c.4C>A on transcript NM_000321.3 (MANE Select); coding-DNA position 4, C replaced by A.
Protein change: p.Pro2Thr; replaces proline 2 with threonine.
Molecular consequence: missense variant.
Genome position (GRCh38, 1-based): chr13:48,303,916, C>A. VCF-style: chr13-48303916-C-A. GRCh37 (hg19) VCF-style: chr13-48878052-C-A.
Other names: short protein forms P2T.
Identifiers: ClinVar variation 956496 (VCV000956496.8), dbSNP rs1328198608, ClinGen allele CA388250137.